The following is an entry in ClinVar:

ClinVar aggregate classification (germline): Conflicting classifications of pathogenicity. Review status: criteria provided, conflicting classifications (1 of 4 stars). 6 submissions from 6 submitters: Likely pathogenic (1); Uncertain significance (5). Last evaluated 2025-08-11.

Conditions:
Cardiomyopathy (CMYO). Also called: Cardiomyopathies. Identifiers: Orphanet 167848, MedGen C0878544, MONDO:0004994, HP:0001638. Inheritance: Various modes of inheritance.
Cardiovascular phenotype. Identifiers: MedGen CN230736.
Hypertrophic cardiomyopathy. Also called: HYPERTROPHIC MYOCARDIOPATHY. Identifiers: Orphanet 217569, MedGen C0007194, MeSH D002312, MONDO:0005045, HP:0001639.
Hypertrophic cardiomyopathy 1 (CMH1). Also called: Familial hypertrophic cardiomyopathy 1; MYH7-Related Familial Hypertrophic Cardiomyopathy. Identifiers: MedGen C3495498, MONDO:0008647, OMIM 192600.

Allele frequency attached by ClinVar (database versions not stated): gnomAD exomes below 0.00001.

Submissions (6):

Labcorp Genetics (formerly Invitae), Labcorp
Classification: Uncertain significance for Hypertrophic cardiomyopathy. Last evaluated: 2025-08-11. Review status: criteria provided, single submitter. Criteria: Invitae Variant Classification Sherloc (09022015). Collection method: clinical testing. Allele origin: germline.
Comment: This sequence change replaces arginine, which is basic and polar, with cysteine, which is neutral and slightly polar, at codon 807 of the MYH7 protein (p.Arg807Cys). This variant is not present in population databases (gnomAD no frequency). This missense change has been observed in individual(s) with MYH7-related conditions (PMID: 39237976). ClinVar contains an entry for this variant (Variation ID: 3072989). Invitae Evidence Modeling of protein sequence and biophysical properties (such as structural, functional, and spatial information, amino acid conservation, physicochemical variation, residue mobility, and thermodynamic stability) indicates that this missense variant is expected to disrupt MYH7 protein function with a positive predictive value of 95%. In summary, the available evidence is currently insufficient to determine the role of this variant in disease. Therefore, it has been classified as a Variant of Uncertain Significance.

3billion
Classification: Uncertain significance for Hypertrophic cardiomyopathy 1. Last evaluated: 2025-06-05. Review status: criteria provided, single submitter. Criteria: ACMG Guidelines, 2015. Collection method: clinical testing. Allele origin: germline. Affected: yes.
Comment: The variant is observed at an extremely low frequency in the gnomAD v4.1.0 dataset (total allele frequency: <0.001%). Predicted Consequence/Location: The variant is located in a mutational hot spot and/or well-established functional domain in which established pathogenic variants have been reported (PMID: 29300372). In silico tool predictions suggest damaging effect of the variant on gene or gene product [REVEL: 0.83 (>=0.6, sensitivity 0.68 and specificity 0.92)]. The same nucleotide change resulting in the same amino acid change has been previously reported to be associated with MYH7-related disorder (ClinVar ID: VCV003072989). Different missense changes at the same codon (p.Arg807Gly, p.Arg807His, p.Arg807Pro) have been reported as pathogenic/likely pathogenic with strong evidence (ClinVar ID: VCV000391904, VCV000803010 /PMID: 30471092, 36357925). However, the evidence of pathogenicity is insufficient at this time. Therefore, this variant is classified as VUS according to the recommendation of ACMG/AMP guideline.

Revvity Omics, Revvity
Classification: Uncertain significance. Last evaluated: 2024-05-01. Review status: criteria provided, single submitter. Criteria: ACMG Guidelines, 2015. Collection method: clinical testing. Allele origin: germline.

Molecular Diagnostic Laboratory for Inherited Cardiovascular Disease, Montreal Heart Institute
Classification: Likely pathogenic for Cardiovascular phenotype. Last evaluated: 2024-01-16. Review status: criteria provided, single submitter. Criteria: ACMG Guidelines, 2015. Collection method: clinical testing. Allele origin: germline. Affected: yes.
Comment: PM1, PM2, PM5_supp, PP3

All of Us Research Program, National Institutes of Health
Classification: Uncertain significance for Cardiomyopathy. Last evaluated: 2023-08-15. Review status: criteria provided, single submitter. Criteria: ACMG Guidelines, 2015. Collection method: clinical testing. Allele origin: germline. Inheritance: Autosomal dominant inheritance. Observed: 1 variant allele, 1 heterozygote.
Comment: This missense variant replaces arginine with cysteine at codon 807 of the MYH7 protein. This variant is found within a highly conserved region of the myosin head domain. Missense variants in this region have been shown to be significantly overrepresented in individuals with hypertrophic cardiomyopathy (PMID: 27532257). Computational prediction suggests that this variant may have deleterious impact on protein structure and function (internally defined REVEL score threshold >= 0.7, PMID: 27666373). To our knowledge, functional studies have not been reported for this variant. This variant has not been reported in individuals affected with cardiovascular disorders in the literature. This variant has not been identified in the general population by the Genome Aggregation Database (gnomAD). The available evidence is insufficient to determine the role of this variant in disease conclusively. Therefore, this variant is classified as a Variant of Uncertain Significance.

This study involves interpretation of variants in research participants for the purpose of population health screening. Participant phenotype was not available at the time of variant classification. Additional details can be found in publication PMID: 35346344, PMCID: PMC8962531

Blueprint Genetics
Classification: Uncertain significance. Last evaluated: 2021-07-02. Review status: criteria provided, single submitter. Criteria: ACMG Guidelines, 2015. Collection method: clinical testing. Allele origin: germline.

Literature cited by the submitters: PubMed 39237976 (cited by Labcorp Genetics (formerly Invitae), Labcorp); PubMed 30471092 (cited by 3billion); PubMed 27532257 (cited by All of Us Research Program, National Institutes of Health).

NM_000257.4(MYH7):c.2419C>T (p.Arg807Cys)

Genes: MYH7 (myosin heavy chain 7; minus strand), LOC126861898 (BRD4-independent group 4 enhancer GRCh37_chr14:23893609-23894808; plus strand). Cytogenetic location: 14q11.2.
Variant type: single nucleotide variant.
Coding change: c.2419C>T on transcript NM_000257.4 (MANE Select); coding-DNA position 2419, C replaced by T.
Protein change: p.Arg807Cys; replaces arginine 807 with cysteine.
Molecular consequence: missense variant.
Genome position (GRCh38, 1-based): chr14:23,425,286, G>A on the plus strand (C>T on the coding strand, the complement: MYH7 is on the minus strand). VCF-style: chr14-23425286-G-A. GRCh37 (hg19) VCF-style: chr14-23894495-G-A.
Other names: c.2419C>T, p.Arg807Cys (NM_001407004.1); c.2419C>T (NM_000257.3); short protein forms R807C.
Identifiers: ClinVar variation 3072989 (VCV003072989.6), dbSNP rs2138666871, ClinGen allele CA389048454.
Genomic context (GRCh38, chr14:23,425,286, plus strand): 5'-CCCTGAACCAGCCTGGGCCTCAGAGAAGCGGGAAACCTCCTCTTGAGATCTCTCACCTAC[G>A]TTCCAGCAGCTTTTTGTACTCCATTCTGGCGAGCACACCTCGGGACTGGGCCTGGATACG-3'
Protein context (NP_000248.2, residues 797-817): ARMEYKKLLE[Arg807Cys]RDSLLVIQWN